The following is an entry in ClinVar:

NM_005633.4(SOS1):c.2536G>A (p.Glu846Lys)

Gene: SOS1 (SOS Ras/Rac guanine nucleotide exchange factor 1; minus strand). Cytogenetic location: 2p22.1.
Variant type: single nucleotide variant.
Coding change: c.2536G>A on transcript NM_005633.4 (MANE Select); coding-DNA position 2536, G replaced by A.
Protein change: p.Glu846Lys; replaces glutamic acid 846 with lysine.
Molecular consequence: missense variant.
Genome position (GRCh38, 1-based): chr2:39,007,168, C>T on the plus strand (G>A on the coding strand, the complement: SOS1 is on the minus strand). VCF-style: chr2-39007168-C-T. GRCh37 (hg19) VCF-style: chr2-39234309-C-T.
Other names: p.E846K:GAA>AAA; NM_005633.3(SOS1):c.2536G>A; c.2515G>A, p.Glu839Lys (NM_001382394.1); c.2536G>A, p.Glu846Lys (NM_001382395.1); short protein forms E846K, E839K.
Identifiers: ClinVar variation 40706 (VCV000040706.50), dbSNP rs397517159, ClinGen allele CA261734.

ClinVar aggregate classification (germline): Pathogenic. Review status: reviewed by expert panel (3 of 4 stars). 19 submissions from 19 submitters: Pathogenic (1). 18 of the submissions do not count toward it. Last evaluated 2017-04-03.

Conditions:
SOS1-related disorder. Also called: SOS1-related condition.
Noonan syndrome and Noonan-related syndrome. Identifiers: Orphanet 98733, MedGen C5681679, MONDO:0020297.
Cardiovascular phenotype. Identifiers: MedGen CN230736.
Fibromatosis, gingival, 1 (GINGF1). Identifiers: Orphanet 2024, MedGen C4551558, MONDO:0007609, OMIM 135300.
Noonan syndrome 4 (NS4). Also called: NOONAN SYNDROME WITH PIGMENTED VILLONODULAR SYNOVITIS; SOS1-Related Noonan Syndrome. Identifiers: Orphanet 648, MedGen C1853120, MONDO:0012547, OMIM 610733.
RASopathy. Also called: rasopathies; Noonan spectrum disorder. Identifiers: Orphanet 536391, MedGen C5555857, MONDO:0021060.
Noonan syndrome (NS). Also called: Noonan's syndrome. Identifiers: Orphanet 648, MedGen C0028326, MeSH D009634, MONDO:0018997. Disease mechanism: gain of function.

Submissions 1 to 9 of 19:

ClinGen RASopathy Variant Curation Expert Panel
Classification: Pathogenic for Noonan syndrome. Last evaluated: 2017-04-03. Review status: reviewed by expert panel. Criteria: ClinGen RASopathy ACMG Specifications v1. Collection method: curation. Allele origin: germline. Inheritance: Autosomal dominant inheritance.
Comment: The c.2536G>A (p.Glu846Lys) variant in SOS1 has been reported in the literature as an unconfirmed de novo occurrence in a patient with clinical features of a RASopathy (PM6; PMID 23673306). It has also been reported in a patient diagnosed with HCM (PMID 22555271). In vitro functional studies provide some evidence that the p.Glu846Lys variant may impact protein function (PS3; PMID 17143285). This variant was absent from large population studies (PM2; ExAC). Computational prediction tools and conservation analysis suggest that the p.Glu846Lys variant may impact the protein (PP3). The variant is located in the SOS1 gene, which has been defined by the ClinGen RASopathy Expert Panel as a gene with a low rate of benign missense variants and pathogenic missense variants are common (PP2; PMID: 29493581). Furthermore, the variant is in a location that has been defined to be a mutational hotspot or domain of SOS1 (PM1; PMID 21387466). In summary, this variant meets criteria to be classified as pathogenic for RASopathies in an autosomal dominant manner. Rasopathy-specific ACMG/AMP criteria applied (PMID:29493581): PP2, PP3, PM1, PM2, PM6, PS3.

Labcorp Genetics (formerly Invitae), Labcorp
Classification: Pathogenic for RASopathy. Last evaluated: 2025-12-10. Review status: criteria provided, single submitter. Criteria: Invitae Variant Classification Sherloc (09022015). Collection method: clinical testing. Allele origin: germline. Not counted in ClinVar's aggregate classification.
Comment: This sequence change replaces glutamic acid, which is acidic and polar, with lysine, which is basic and polar, at codon 846 of the SOS1 protein (p.Glu846Lys). This variant is not present in population databases (gnomAD no frequency). This missense change has been observed in individual(s) with Noonan syndrome (PMID: 17143282, 17143285, 17586837, 18651097, 18854871, 19077116, 21387466, 23673306). In at least one individual the variant was observed to be de novo. ClinVar contains an entry for this variant (Variation ID: 40706). Invitae Evidence Modeling of protein sequence and biophysical properties (such as structural, functional, and spatial information, amino acid conservation, physicochemical variation, residue mobility, and thermodynamic stability) has been performed for this missense variant. However, the output from this modeling did not meet the statistical confidence thresholds required to predict the impact of this variant on SOS1 protein function. Experimental studies have shown that this missense change affects SOS1 function (PMID: 17143285, 21041952). For these reasons, this variant has been classified as Pathogenic.

Dasa
Classification: Pathogenic. Last evaluated: 2025-07-07. Review status: criteria provided, single submitter. Criteria: DASA Assertion Criteria. Collection method: clinical testing. Allele origin: germline. Not counted in ClinVar's aggregate classification.
Comment: NM_005633.4(SOS1):c.2536G>A (p.Glu846Lys) is a missense variant that results in the substitution of glutamic acid with lysine. De novo occurrence has been reported in an individual with related phenotype. Functional evidence supports a deleterious effect on the gene or gene product (PMID: 23673306; PMID: 17143285). This variant has been recurrently observed in individuals with related phenotype (PMID: 23673306; PMID: 17143285). The variant is present at low frequency in population datasets. Based on the available data, this variant is classified as pathogenic.

CeGaT Center for Human Genetics Tuebingen
Classification: Pathogenic. Last evaluated: 2025-07-01. Review status: criteria provided, single submitter. Criteria: CeGaT Center For Human Genetics Tuebingen Variant Classification Criteria Version 2. Collection method: clinical testing. Allele origin: germline. Affected: yes. Observed: 1 variant allele. Not counted in ClinVar's aggregate classification.
Comment: SOS1: PM6:Strong, PS4, PM2, PS3:Supporting

Variantyx, Inc.
Classification: Pathogenic for Noonan syndrome 4. Last evaluated: 2025-03-18. Review status: criteria provided, single submitter. Criteria: Variantyx Assertion Criteria 2022. Collection method: clinical testing. Allele origin: de novo. Not counted in ClinVar's aggregate classification.
Comment: This is a nonsynonymous variant in the SOS1 gene (OMIM: 182530). Pathogenic variants in this gene have been associated with autosomal dominant Noonan syndrome 4. This variant has been reported in at least four affected individual(s) (PMID: 17143285) (PS4_Supporting). Functional studies have shown that this variant alters SOS1 protein function (PMID: 17143285) (PS3). This variant is absent from control populations (PM2_Supporting). Computational algorithms produce conflicting evidence regarding the predicted functional impact of this variant (REVEL score: 0.443). Based on the current evidence, this variant is classified as pathogenic for autosomal dominant Noonan syndrome 4.

3billion
Classification: Pathogenic for Noonan syndrome 4. Last evaluated: 2025-02-18. Review status: criteria provided, single submitter. Criteria: ACMG Guidelines, 2015. Collection method: clinical testing. Allele origin: germline. Affected: yes. Not counted in ClinVar's aggregate classification.
Comment: The variant is not observed in the gnomAD v4.1.0 dataset. Predicted Consequence/Location: Missense variant. Missense changes are a common disease-causing mechanism. Functional studies provide strong evidence of the variant having a damaging effect on the gene or gene product (PMID: 17143285). The same nucleotide change resulting in the same amino acid change has been previously reported as pathogenic/likely pathogenic with strong evidence (ClinVar ID: VCV000040706 /PMID: 17143282 /3billion dataset). The variant has been previously reported as assumed (i.e. paternity and maternity not confirmed) de novo in at least one similarly affected unrelated individual (PMID: 22555271, 23673306). Therefore, this variant is classified as Pathogenic according to the recommendation of ACMG/AMP guideline.

PreventionGenetics, part of Exact Sciences
Classification: Pathogenic for SOS1-related condition. Last evaluated: 2024-12-24. Review status: criteria provided, single submitter. Criteria: ACMG Guidelines, 2015. Collection method: clinical testing. Allele origin: germline. Not counted in ClinVar's aggregate classification.
Comment: The SOS1 c.2536G>A variant is predicted to result in the amino acid substitution p.Glu846Lys. This variant has previously been reported in individuals with Noonan syndrome and in at least one report to have arose de novo (see for example - Tartaglia et al 2007. PubMed ID: 17143282; Li et al. 2013. PubMed ID: 23673306; Hakami et al. 2016. PubMed ID: 26918529). Functional studies demonstrate this variant results in increased p-MEK/ERK levels, consistent with a gain-of-function mechanism, resulting in hyperactivation of the RAS pathway (Roberts et al. 2007. PubMed ID: 17143285). This variant has not been reported in a large population database, indicating this variant is rare. This variant is interpreted as pathogenic.

Victorian Clinical Genetics Services, Murdoch Childrens Research Institute
Classification: Pathogenic for Noonan syndrome 4. Last evaluated: 2024-10-09. Review status: criteria provided, single submitter. Criteria: ACMG Guidelines, 2015. Collection method: clinical testing. Allele origin: germline. Inheritance: Autosomal dominant inheritance. Affected: yes. Not counted in ClinVar's aggregate classification.
Comment: Based on the classification scheme VCGS_Germline_v1.3.4, this variant is classified as Pathogenic. Following criteria are met: 0101 - Gain of function is a known mechanism of disease in this gene and is associated with Noonan syndrome 4 (MIM#610733) (PMID: 17143285). (I) 0107 - This gene is associated with autosomal dominant disease. (I) 0115 - Variants in this gene are known to have variable expressivity (PMID: 20301303). (I) 0200 - Variant is predicted to result in a missense amino acid change from glutamic acid to lysine. (I) 0251 - This variant is heterozygous. (I) 0301 - Variant is absent from gnomAD (both v2 and v3). (SP) 0502 - Missense variant with conflicting in silico predictions and uninformative conservation. (I) 0600 - Variant is located in the annotated RasGEF domain (DECIPHER). (I) 0801 - This variant has strong previous evidence of pathogenicity in unrelated individuals. This variant is classified as pathogenic by an expert panel in ClinVar. (SP) Legend: (SP) - Supporting pathogenic, (I) - Information, (SB) - Supporting benign ||||

Division of Genetic & Genomic Pathology, Hong Kong Children's Hospital
Classification: Pathogenic for Noonan syndrome 4. Last evaluated: 2024-09-02. Review status: criteria provided, single submitter. Criteria: ACMG Guidelines, 2015. Collection method: clinical testing. Allele origin: germline. Affected: yes. Not counted in ClinVar's aggregate classification.
Comment: The SOS1 c.2536G>A p.(Glu846Lys) variant is classified as pathogenic by the ClinGen RASopathy Variant Curation Expert Panel (ClinVar accession: VCV000040706.34, PMID: 29493581).